The following is an entry in ClinVar:

NM_001048174.2(MUTYH):c.1435-11T>G

Gene: MUTYH (mutY DNA glycosylase; minus strand). Cytogenetic location: 1p34.1.
Variant type: single nucleotide variant.
Coding change: c.1435-11T>G on transcript NM_001048174.2 (MANE Select); 11 bases into the intron before coding-DNA position 1435, T replaced by G.
Molecular consequence: intron variant.
Genome position (GRCh38, 1-based): chr1:45,329,448, A>C on the plus strand (T>G on the coding strand, the complement: MUTYH is on the minus strand). VCF-style: chr1-45329448-A-C. GRCh37 (hg19) VCF-style: chr1-45795120-A-C.
Other names: c.1090-11T>G (NM_001350651.2, NM_001350650.2); c.1159-11T>G (NM_001293192.2, NM_001293196.2); c.1435-11T>G (NM_001048171.2, NM_001048173.2, NM_001293195.2); c.1480-11T>G (NM_001293190.2); c.1510-11T>G (NM_012222.3); c.1519-11T>G (NM_001128425.2); c.1438-11T>G (NM_001048172.2); c.1468-11T>G (NM_001293191.2).
Identifiers: ClinVar variation 419293 (VCV000419293.13), dbSNP rs1064793775, ClinGen allele CA16617150.

ClinVar aggregate classification (germline): Uncertain significance. Review status: criteria provided, multiple submitters, no conflicts (2 of 4 stars). 3 submissions from 3 submitters: Uncertain significance (3). Last evaluated 2024-12-23.

Conditions:
Hereditary cancer-predisposing syndrome. Also called: Tumor predisposition; Hereditary Cancer Syndrome; Hereditary neoplastic syndrome; Neoplastic Syndromes, Hereditary. Identifiers: Orphanet 140162, MedGen C0027672, MeSH D009386, MONDO:0015356.
Familial adenomatous polyposis 2. Also called: COLORECTAL ADENOMATOUS POLYPOSIS, AUTOSOMAL RECESSIVE; MUTYH Polyposis; MUTYH-associated polyposis; MUTYH-related attenuated familial adenomatous polyposis; Adenomas, multiple colorectal; ADENOMAS, MULTIPLE COLORECTAL, AUTOSOMAL RECESSIVE. Identifiers: Orphanet 220460, Orphanet 247798, MedGen C3272841, MONDO:0012041, OMIM 608456.

Submissions (3):

Labcorp Genetics (formerly Invitae), Labcorp
Classification: Uncertain significance for Familial adenomatous polyposis 2. Last evaluated: 2024-12-23. Review status: criteria provided, single submitter. Criteria: Invitae Variant Classification Sherloc (09022015). Collection method: clinical testing. Allele origin: germline.
Comment: This sequence change falls in intron 15 of the MUTYH gene. It does not directly change the encoded amino acid sequence of the MUTYH protein. This variant is not present in population databases (gnomAD no frequency). This variant has not been reported in the literature in individuals affected with MUTYH-related conditions. ClinVar contains an entry for this variant (Variation ID: 419293). Algorithms developed to predict the effect of sequence changes on RNA splicing suggest that this variant may disrupt the consensus splice site. In summary, the available evidence is currently insufficient to determine the role of this variant in disease. Therefore, it has been classified as a Variant of Uncertain Significance.

Color Diagnostics, LLC DBA Color Health
Classification: Uncertain significance for Hereditary cancer-predisposing syndrome. Last evaluated: 2019-06-29. Review status: criteria provided, single submitter. Criteria: ACMG Guidelines, 2015. Collection method: clinical testing. Allele origin: germline.

GeneDx
Classification: Uncertain significance. Last evaluated: 2016-11-02. Review status: criteria provided, single submitter. Criteria: GeneDx Variant Classification (06012015). Collection method: clinical testing. Allele origin: germline. Affected: yes.
Comment: This variant is denoted MUTYH c.1519-11T>G or IVS15-11T>G and consists of a T>G nucleotide substitution at the -11 position of intron 15 of the MUTYH gene. Multiple in silico models predict this variant to weaken the nearby natural acceptor site, and to possibly cause abnormal gene splicing. This variant has not, to our knowledge, been published in the literature as pathogenic or benign. The thymine (T) nucleotide that is altered is not conserved across species. Based on currently available information, it is unclear whether MUTYH c.1519-11T>G is pathogenic or benign. We consider it to be a variant of uncertain significance. Of note, MUTYH-Associated Polyposis (MAP) is a recessive condition associated with two pathogenic variants on opposite chromosomes in MUTYH.